The following is an entry in ClinVar:

ClinVar aggregate classification (germline): Uncertain significance. Review status: criteria provided, multiple submitters, no conflicts (2 of 4 stars). 2 submissions from 2 submitters: Uncertain significance (2). Last evaluated 2019-11-10.

Conditions:
Familial temporal lobe epilepsy 5. Identifiers: MedGen C3280730, MONDO:0013741, OMIM 614417.
Febrile seizures, familial, 11 (FEB11). Also called: CONVULSIONS, FAMILIAL FEBRILE, 11. Identifiers: MedGen C3280734, MONDO:0024566, OMIM 614418.

Allele frequency attached by ClinVar (database versions not stated): TOPMed below 0.00001; ExAC 0.00001.

Submissions (2):

Labcorp Genetics (formerly Invitae), Labcorp
Classification: Uncertain significance for Febrile seizures, familial, 11. Last evaluated: 2019-11-10. Review status: criteria provided, single submitter. Criteria: Invitae Variant Classification Sherloc (09022015). Collection method: clinical testing. Allele origin: germline.
Comment: In summary, the available evidence is currently insufficient to determine the role of this variant in disease. Therefore, it has been classified as a Variant of Uncertain Significance. The current clinical and genetic evidence is not sufficient to establish whether loss-of-function variants in CPA6 cause disease. Algorithms developed to predict the effect of sequence changes on RNA splicing suggest that this variant may disrupt the consensus splice site, but this prediction has not been confirmed by published transcriptional studies. This variant has not been reported in the literature in individuals with CPA6-related conditions. This variant is present in population databases (rs766751629, ExAC 0.009%). This sequence change affects an acceptor splice site in intron 5 of the CPA6 gene. It is expected to disrupt RNA splicing and likely results in an absent or disrupted protein product.

Juno Genomics, Hangzhou Juno Genomics, Inc
Classification: Uncertain significance for Familial temporal lobe epilepsy 5; Febrile seizures, familial, 11. Review status: criteria provided, single submitter. Criteria: ACMG Guidelines, 2015. Collection method: clinical testing. Allele origin: germline.
Comment: Absent from controls (or at extremely low frequency if recessive) in Genome Aggregation Database.

NM_020361.5(CPA6):c.535-1G>T

Gene: CPA6 (carboxypeptidase A6; minus strand). Cytogenetic location: 8q13.2.
Variant type: single nucleotide variant.
Coding change: c.535-1G>T on transcript NM_020361.5 (MANE Select); the canonical splice acceptor site of the intron before coding-DNA position 535, G replaced by T.
Molecular consequence: splice acceptor variant.
Genome position (GRCh38, 1-based): chr8:67,506,889, C>A on the plus strand (G>T on the coding strand, the complement: CPA6 is on the minus strand). VCF-style: chr8-67506889-C-A. GRCh37 (hg19) VCF-style: chr8-68419124-C-A.
Identifiers: ClinVar variation 962456 (VCV000962456.10), dbSNP rs766751629, ClinGen allele CA4772939.